The following is an entry in ClinVar:

ClinVar aggregate classification (germline): Benign/Likely benign. Review status: criteria provided, multiple submitters, no conflicts (2 of 4 stars). 11 submissions from 11 submitters: Benign (4); Likely benign (5). 2 of the submissions do not count toward it. Last evaluated 2026-01-31.

Conditions:
Familial thoracic aortic aneurysm and aortic dissection (TAAD). Also called: Thoracic aortic aneurysms and dissections. Identifiers: Orphanet 91387, MedGen C4707243, MONDO:0019625.
Aortic aneurysm, familial thoracic 7 (AAT7). Also called: AORTIC DISSECTION, FAMILIAL, WITH OR WITHOUT AORTIC ANEURYSM. Identifiers: MedGen C3151077, MONDO:0013418, OMIM 613780.

Allele frequency attached by ClinVar (database versions not stated): gnomAD 0.00156; 1000 Genomes Project 30x 0.00172; 1000 Genomes Project 0.00180; TOPMed 0.00196; ESP Exome Variant Server 0.00238.
gnomAD v4.1: 1,007 of 1,612,178 alleles (0.062%); highest among the groups gnomAD compares: African/African-American, 0.49%; 4 homozygotes.

Submissions (11):

Labcorp Genetics (formerly Invitae), Labcorp
Classification: Benign for Aortic aneurysm, familial thoracic 7. Last evaluated: 2026-01-31. Review status: criteria provided, single submitter. Criteria: Invitae Variant Classification Sherloc (09022015). Collection method: clinical testing. Allele origin: germline.

Molecular Diagnostic Laboratory for Inherited Cardiovascular Disease, Montreal Heart Institute
Classification: Likely benign. Last evaluated: 2025-04-09. Review status: criteria provided, single submitter. Criteria: ACMG Guidelines, 2015. Collection method: clinical testing. Allele origin: germline. Affected: no.
Comment: BS1;BP6

Blueprint Genetics
Classification: Likely benign. Last evaluated: 2024-11-20. Review status: criteria provided, single submitter. Criteria: ACMG Guidelines, 2015. Collection method: clinical testing. Allele origin: germline.

GeneDx
Classification: Likely benign. Last evaluated: 2020-06-30. Review status: criteria provided, single submitter. Criteria: GeneDx Variant Classification Process June 2021. Collection method: clinical testing. Allele origin: germline. Affected: yes.

Women's Health and Genetics/Laboratory Corporation of America, LabCorp
Classification: Benign. Last evaluated: 2019-12-16. Review status: criteria provided, single submitter. Criteria: LabCorp Variant Classification Summary - May 2015. Collection method: clinical testing. Allele origin: germline.
Comment: Variant summary: MYLK c.4289-4C>G alters a non-conserved nucleotide located close to a canonical splice site and therefore could affect mRNA splicing, leading to a significantly altered protein sequence. 5/5 computational tools predict no significant impact on normal splicing. However, these predictions have yet to be confirmed by functional studies. The variant allele was found at a frequency of 0.00095 in 250734 control chromosomes, predominantly at a frequency of 0.0062 within the African or African-American subpopulation in the gnomAD database. The observed variant frequency within African or African-American control individuals in the gnomAD database is approximately 248 fold of the estimated maximal expected allele frequency for a pathogenic variant in MYLK causing Aortopathy phenotype (2.5e-05), strongly suggesting that the variant is a benign polymorphism found primarily in populations of African or African-American origin. To our knowledge, no occurrence of c.4289-4C>G in individuals affected with Aortopathy and no experimental evidence demonstrating its impact on protein function have been reported. Four ClinVar submissions (evaluation after 2014) cite the variant twice as benign and twice as likely benign. Based on the evidence outlined above, the variant was classified as benign.

Ambry Genetics
Classification: Likely benign for Familial thoracic aortic aneurysm and aortic dissection. Last evaluated: 2018-09-11. Review status: criteria provided, single submitter. Criteria: Ambry Variant Classification Scheme 2023. Collection method: clinical testing. Allele origin: germline.

Illumina Laboratory Services, Illumina
Classification: Likely benign for Aortic aneurysm, familial thoracic 7. Last evaluated: 2018-01-13. Review status: criteria provided, single submitter. Criteria: ICSL Variant Classification Criteria 13 December 2019. Collection method: clinical testing. Allele origin: germline.
Comment: This variant was observed in the ICSL laboratory as part of a predisposition screen in an ostensibly healthy population. It had not been previously curated by ICSL or reported in the Human Gene Mutation Database (HGMD: prior to June 1st, 2018), and was therefore a candidate for classification through an automated scoring system. Utilizing variant allele frequency, disease prevalence and penetrance estimates, and inheritance mode, an automated score was calculated to assess if this variant is too frequent to cause the disease. Based on the score and internal cut-off values, a variant classified as likely benign is not then subjected to further curation. The score for this variant resulted in a classification of likely benign for this disease.

Eurofins Ntd Llc (ga)
Classification: Benign. Last evaluated: 2017-02-02. Review status: criteria provided, single submitter. Criteria: EGL Classification Definitions 2015. Collection method: clinical testing. Allele origin: germline. Observed: 1 variant allele, 1 heterozygote.

Laboratory for Molecular Medicine, Mass General Brigham Personalized Medicine
Classification: Benign. Last evaluated: 2013-04-04. Review status: criteria provided, single submitter. Criteria: LMM Criteria. Collection method: clinical testing. Allele origin: germline. Observed: 1 variant allele.
Comment: 4289-4C>G in intron 24 of MYLK: This variant is not expected to have clinical si gnificance because it is not located within the conserved splice consensus seque nce. It has been identified in 0.6% (27/4406) of African American chromosomes fr om a broad population by the NHLBI Exome Sequencing Project.

Genome Diagnostics Laboratory, Amsterdam University Medical Center
Classification: Likely benign. Review status: no assertion criteria provided. Collection method: clinical testing. Allele origin: germline. Affected: yes. Study: VKGL Data-share Consensus. Not counted in ClinVar's aggregate classification.

Genome Diagnostics Laboratory, University Medical Center Utrecht
Classification: Likely benign. Review status: no assertion criteria provided. Collection method: clinical testing. Allele origin: germline. Affected: yes. Study: VKGL Data-share Consensus. Not counted in ClinVar's aggregate classification.

NM_053025.4(MYLK):c.4289-4C>G

Gene: MYLK (myosin light chain kinase; minus strand). Cytogenetic location: 3q21.1.
Variant type: single nucleotide variant.
Coding change: c.4289-4C>G on transcript NM_053025.4 (MANE Select); 4 bases into the intron before coding-DNA position 4289, C replaced by G.
Molecular consequence: intron variant.
Genome position (GRCh38, 1-based): chr3:123,649,198, G>C on the plus strand (C>G on the coding strand, the complement: MYLK is on the minus strand). VCF-style: chr3-123649198-G-C. GRCh37 (hg19) VCF-style: chr3-123368045-G-C.
Other names: c.3761-4C>G (NM_001321309.2); c.4082-4C>G (NM_053028.4, NM_053026.4); c.4289-4C>G (NM_053027.4).
Identifiers: ClinVar variation 226769 (VCV000226769.32), dbSNP rs376670657, ClinGen allele CA071268.